The following is an entry in ClinVar:

NM_021620.4(PRDM13):c.1044_1052dup (p.Gly351_His352insGlyAlaGly)

Genes: PRDM13 (PR/SET domain 13; plus strand), LOC129996881 (ATAC-STARR-seq lymphoblastoid silent region 17422; plus strand). Cytogenetic location: 6q16.2.
Variant type: Duplication.
Coding change: c.1044_1052dup on transcript NM_021620.4 (MANE Select); coding-DNA positions 1044 to 1052, 9 bases duplicated (CGGCGCGGG; older notation c.1044_1052dupCGGCGCGGG).
Protein change: p.Gly351_His352insGlyAlaGly.
Molecular consequence: inframe insertion.
Genome position (GRCh38, 1-based): chr6:99,613,679-99,613,687, CGGCGCGGG duplicated; duplicating any 9 consecutive bases within chr6:99,613,674-99,613,687 gives the same sequence; the c. name uses the placement nearest the transcript's 3' end. VCF-style (leftmost placement, unchanged base first): chr6-99613673-G-GGCGGGCGGC. GRCh37 (hg19) VCF-style: chr6-100061549-G-GGCGGGCGGC.
Identifiers: ClinVar variation 1933908 (VCV001933908.5), dbSNP rs1770073078, ClinGen allele CA1650230948.

ClinVar aggregate classification (germline): Uncertain significance (1 of 4 stars; one submission).

Submission:

Labcorp Genetics (formerly Invitae), Labcorp
Classification: Uncertain significance. Last evaluated: 2024-10-29. Review status: criteria provided, single submitter. Criteria: Invitae Variant Classification Sherloc (09022015). Collection method: clinical testing. Allele origin: germline.
Comment: This variant, c.1044_1052dup, results in the insertion of 3 amino acid(s) of the PRDM13 protein (p.Gly349_Gly351dup), but otherwise preserves the integrity of the reading frame. This variant is not present in population databases (gnomAD no frequency). This variant has not been reported in the literature in individuals affected with PRDM13-related conditions. ClinVar contains an entry for this variant (Variation ID: 1933908). Experimental studies and prediction algorithms are not available or were not evaluated, and the functional significance of this variant is currently unknown. In summary, the available evidence is currently insufficient to determine the role of this variant in disease. Therefore, it has been classified as a Variant of Uncertain Significance.